The following is an entry in ClinVar:

ClinVar aggregate classification (germline): Uncertain significance. Review status: criteria provided, multiple submitters, no conflicts (2 of 4 stars). 2 submissions from 2 submitters: Uncertain significance (2). Last evaluated 2024-10-19.

Conditions:
Inborn genetic diseases. Identifiers: MedGen C0950123, MeSH D030342.

Allele frequency attached by ClinVar (database versions not stated): gnomAD 0.00003; gnomAD exomes 0.00004 and 0.00007; ExAC 0.00005; TOPMed 0.00007; ESP Exome Variant Server 0.00008.
gnomAD v4.1: 63 of 1,614,116 alleles (0.0039%); highest among the groups gnomAD compares: Middle Eastern, 0.016%; no homozygotes.

Submissions (2):

Ambry Genetics
Classification: Uncertain significance for Inborn genetic diseases. Last evaluated: 2024-10-19. Review status: criteria provided, single submitter. Criteria: Ambry Variant Classification Scheme 2023. Collection method: clinical testing. Allele origin: germline.

Labcorp Genetics (formerly Invitae), Labcorp
Classification: Uncertain significance. Last evaluated: 2022-09-07. Review status: criteria provided, single submitter. Criteria: Invitae Variant Classification Sherloc (09022015). Collection method: clinical testing. Allele origin: germline.
Comment: This sequence change replaces glutamic acid, which is acidic and polar, with lysine, which is basic and polar, at codon 4247 of the DNAH9 protein (p.Glu4247Lys). This variant is present in population databases (rs376338728, gnomAD 0.01%). This variant has not been reported in the literature in individuals affected with DNAH9-related conditions. ClinVar contains an entry for this variant (Variation ID: 1434967). Algorithms developed to predict the effect of missense changes on protein structure and function are either unavailable or do not agree on the potential impact of this missense change (SIFT: "Tolerated"; PolyPhen-2: "Possibly Damaging"; Align-GVGD: "Class C0"). In summary, the available evidence is currently insufficient to determine the role of this variant in disease. Therefore, it has been classified as a Variant of Uncertain Significance.

NM_001372.4(DNAH9):c.12739G>A (p.Glu4247Lys)

Gene: DNAH9 (dynein axonemal heavy chain 9; plus strand). Cytogenetic location: 17p12.
Variant type: single nucleotide variant.
Coding change: c.12739G>A on transcript NM_001372.4 (MANE Select); coding-DNA position 12739, G replaced by A.
Protein change: p.Glu4247Lys; replaces glutamic acid 4247 with lysine.
Molecular consequence: missense variant.
Genome position (GRCh38, 1-based): chr17:11,942,381, G>A. VCF-style: chr17-11942381-G-A. GRCh37 (hg19) VCF-style: chr17-11845698-G-A.
Other names: c.1675G>A, p.Glu559Lys (NM_004662.2); c.12739G>A (NM_001372.3); short protein forms E4247K, E559K.
Identifiers: ClinVar variation 1434967 (VCV001434967.5), dbSNP rs376338728, ClinGen allele CA8398243.